The following is an entry in ClinVar:

NM_014915.3(ANKRD26):c.2449A>G (p.Arg817Gly)

Gene: ANKRD26 (ankyrin repeat domain 26; minus strand). Cytogenetic location: 10p12.1.
Variant type: single nucleotide variant.
Coding change: c.2449A>G on transcript NM_014915.3 (MANE Select); coding-DNA position 2449, A replaced by G.
Protein change: p.Arg817Gly; replaces arginine 817 with glycine.
Molecular consequence: missense variant.
Genome position (GRCh38, 1-based): chr10:27,037,981, T>C on the plus strand (A>G on the coding strand, the complement: ANKRD26 is on the minus strand). VCF-style: chr10-27037981-T-C. GRCh37 (hg19) VCF-style: chr10-27326910-T-C.
Other names: c.2446A>G, p.Arg816Gly (NM_001256053.2); short protein forms R816G, R817G.
Identifiers: ClinVar variation 4580280 (VCV004580280.1).

ClinVar aggregate classification (germline): Uncertain significance (1 of 4 stars; one submission).

Conditions:
Inborn genetic diseases. Identifiers: MedGen C0950123, MeSH D030342.

gnomAD v4.1: 6 of 1,613,176 alleles (0.00037%); highest among the groups gnomAD compares: East Asian, 0.013%; no homozygotes.

Submission:

Ambry Genetics
Classification: Uncertain significance for Inborn genetic diseases. Last evaluated: 2025-12-03. Review status: criteria provided, single submitter. Criteria: Ambry Variant Classification Scheme 2023. Collection method: clinical testing. Allele origin: germline.
Comment: The p.R817G variant (also known as c.2449A>G), located in coding exon 22 of the ANKRD26 gene, results from an A to G substitution at nucleotide position 2449. The arginine at codon 817 is replaced by glycine, an amino acid with dissimilar properties. This amino acid position is conserved. In addition, this alteration is predicted to be tolerated by in silico analysis. Based on the available evidence, the clinical significance of this variant remains unclear.